The following is an entry in ClinVar:

ClinVar aggregate classification (germline): Uncertain significance (1 of 4 stars; one submission).

Allele frequency attached by ClinVar (database versions not stated): TOPMed 0.00001; gnomAD exomes 0.00002; gnomAD 0.00003; ExAC 0.00004; 1000 Genomes Project 0.00020; 1000 Genomes Project 30x 0.00031.
gnomAD v4.1: 32 of 1,600,544 alleles (0.002%); highest among the groups gnomAD compares: Non-Finnish European, 0.0026%; no homozygotes.

Submission:

CeGaT Center for Human Genetics Tuebingen
Classification: Uncertain significance. Last evaluated: 2023-05-01. Review status: criteria provided, single submitter. Criteria: CeGaT Center For Human Genetics Tuebingen Variant Classification Criteria Version 2. Collection method: clinical testing. Allele origin: germline. Affected: yes. Observed: 1 variant allele.
Comment: RBPJ: PP2

NM_015874.6(RBPJ):c.46A>G (p.Lys16Glu)

Gene: RBPJ (recombination signal binding protein for immunoglobulin kappa J region; plus strand). Cytogenetic location: 4p15.2.
Variant type: single nucleotide variant.
Coding change: c.46A>G on transcript NM_015874.6 (MANE Select); coding-DNA position 46, A replaced by G.
Protein change: p.Lys16Glu; replaces lysine 16 with glutamic acid.
Molecular consequence: missense variant. On other transcripts: 5 prime UTR variant (2).
Genome position (GRCh38, 1-based): chr4:26,386,378, A>G. VCF-style: chr4-26386378-A-G. GRCh37 (hg19) VCF-style: chr4-26388000-A-G.
Other names: c.-21A>G (NM_001363577.2, NM_203283.5); c.85A>G, p.Lys29Glu (NM_001374400.1, NM_001379408.1, NM_005349.4); c.43A>G, p.Lys15Glu (NM_001374401.1, NM_001374402.1, NM_001374403.1 and 3 more transcripts); c.40A>G, p.Lys14Glu (NM_001379409.1); short protein forms K14E, K15E, K16E, K29E.
Identifiers: ClinVar variation 2654702 (VCV002654702.24), dbSNP rs577395888, ClinGen allele CA2881249.